The following is an entry in ClinVar:

ClinVar aggregate classification (germline): Likely benign. Review status: reviewed by expert panel (3 of 4 stars). 7 submissions from 7 submitters: Likely benign (1). 6 of the submissions do not count toward it. Last evaluated 2017-06-29.

Conditions:
Hereditary cancer-predisposing syndrome. Also called: Hereditary neoplastic syndrome; Hereditary Cancer Syndrome; Neoplastic Syndromes, Hereditary; Tumor predisposition. Identifiers: Orphanet 140162, MedGen C0027672, MeSH D009386, MONDO:0015356.
Hereditary breast ovarian cancer syndrome. Also called: Hereditary breast and ovarian cancer syndrome; BRCA1- and BRCA2-Associated Hereditary Breast and Ovarian Cancer; Hereditary breast and/or ovarian cancer syndrome; Hereditary breast and ovarian cancer; Breast and ovarian cancer; Hereditary breast and ovarian cancer syndrome (HBOC). Identifiers: Orphanet 145, MedGen C0677776, MeSH D061325, MONDO:0003582. Disease mechanism: loss of function.
Breast-ovarian cancer, familial, susceptibility to, 2 (BROVCA2). Also called: BRCA2 Hereditary Breast and Ovarian Cancer. Identifiers: Orphanet 145, MedGen C2675520, MONDO:0012933, OMIM 612555. Disease mechanism: loss of function.

Allele frequency attached by ClinVar (database versions not stated): gnomAD exomes below 0.00001 and 0.00001; TOPMed below 0.00001.
gnomAD v4.1: 2 of 1,614,008 alleles (0.00012%); highest among the groups gnomAD compares: Admixed American, 0.0033%; no homozygotes.

Submissions (7):

Evidence-based Network for the Interpretation of Germline Mutant Alleles (ENIGMA)
Classification: Likely benign for Breast-ovarian cancer, familial, susceptibility to, 2. Last evaluated: 2017-06-29. Review status: reviewed by expert panel. Criteria: ENIGMA BRCA1/2 Classification Criteria (2017-06-29). Collection method: curation. Allele origin: germline.
Comment: Synonymous substitution variant, with low bioinformatic likelihood to result in a splicing aberration (Splicing prior probability 0.02).

Labcorp Genetics (formerly Invitae), Labcorp
Classification: Likely benign for Hereditary breast ovarian cancer syndrome. Last evaluated: 2025-12-03. Review status: criteria provided, single submitter. Criteria: Invitae Variant Classification Sherloc (09022015). Collection method: clinical testing. Allele origin: germline. Not counted in ClinVar's aggregate classification.

GeneDx
Classification: Likely benign. Last evaluated: 2021-03-28. Review status: criteria provided, single submitter. Criteria: GeneDx Variant Classification Process June 2021. Collection method: clinical testing. Allele origin: germline. Affected: yes. Not counted in ClinVar's aggregate classification.

Women's Health and Genetics/Laboratory Corporation of America, LabCorp
Classification: Likely benign. Last evaluated: 2019-09-16. Review status: criteria provided, single submitter. Criteria: LabCorp Variant Classification Summary - May 2015. Collection method: clinical testing. Allele origin: germline. Not counted in ClinVar's aggregate classification.

Quest Diagnostics Nichols Institute San Juan Capistrano
Classification: Likely benign. Last evaluated: 2019-02-22. Review status: criteria provided, single submitter. Criteria: Quest Diagnostics criteria. Collection method: clinical testing. Allele origin: germline. Not counted in ClinVar's aggregate classification.

Color Diagnostics, LLC DBA Color Health
Classification: Likely benign for Hereditary cancer-predisposing syndrome. Last evaluated: 2017-12-12. Review status: criteria provided, single submitter. Criteria: ACMG Guidelines, 2015. Collection method: clinical testing. Allele origin: germline. Not counted in ClinVar's aggregate classification.

Ambry Genetics
Classification: Likely benign for Hereditary cancer-predisposing syndrome. Last evaluated: 2015-10-29. Review status: criteria provided, single submitter. Criteria: Ambry Variant Classification Scheme 2023. Collection method: clinical testing. Allele origin: germline. Not counted in ClinVar's aggregate classification.

NM_000059.4(BRCA2):c.180C>T (p.Asn60=)

Gene: BRCA2 (BRCA2 DNA repair associated; plus strand). Cytogenetic location: 13q13.1.
Variant type: single nucleotide variant.
Coding change: c.180C>T on transcript NM_000059.4 (MANE Select); coding-DNA position 180, C replaced by T.
Protein change: p.Asn60=; no amino-acid change (asparagine 60 retained).
Molecular consequence: synonymous variant.
Genome position (GRCh38, 1-based): chr13:32,319,189, C>T. VCF-style: chr13-32319189-C-T. GRCh37 (hg19) VCF-style: chr13-32893326-C-T.
Identifiers: ClinVar variation 427407 (VCV000427407.24), dbSNP rs1131692130, ClinGen allele CA483435925.